The following is an entry in ClinVar:

ClinVar aggregate classification (germline): Uncertain significance. Review status: criteria provided, multiple submitters, no conflicts (2 of 4 stars). 3 submissions from 3 submitters: Uncertain significance (3). Last evaluated 2022-04-25.

Conditions:
T-B+ severe combined immunodeficiency due to JAK3 deficiency. Also called: SCID, autosomal recessive, T-negative/B-positive type; SCID, T CELL-NEGATIVE, B CELL-POSITIVE, NK CELL-NEGATIVE. Identifiers: Orphanet 35078, MedGen C1833275, MONDO:0010938, OMIM 600802.
Inborn genetic diseases. Identifiers: MedGen C0950123, MeSH D030342.

Allele frequency attached by ClinVar (database versions not stated): gnomAD exomes below 0.00001; ExAC 0.00001; gnomAD 0.00001; TOPMed 0.00002.
gnomAD v4.1: 7 of 1,613,640 alleles (0.00043%); highest among the groups gnomAD compares: East Asian, 0.0045%; no homozygotes.

Submissions (3):

Ambry Genetics
Classification: Uncertain significance for Inborn genetic diseases. Last evaluated: 2022-04-25. Review status: criteria provided, single submitter. Criteria: Ambry Variant Classification Scheme 2023. Collection method: clinical testing. Allele origin: germline.

Labcorp Genetics (formerly Invitae), Labcorp
Classification: Uncertain significance for T-B+ severe combined immunodeficiency due to JAK3 deficiency. Last evaluated: 2022-01-26. Review status: criteria provided, single submitter. Criteria: Invitae Variant Classification Sherloc (09022015). Collection method: clinical testing. Allele origin: germline.
Comment: This sequence change replaces proline, which is neutral and non-polar, with leucine, which is neutral and non-polar, at codon 311 of the JAK3 protein (p.Pro311Leu). This variant is present in population databases (rs781705937, gnomAD 0.006%). This variant has not been reported in the literature in individuals affected with JAK3-related conditions. ClinVar contains an entry for this variant (Variation ID: 1032930). Advanced modeling of protein sequence and biophysical properties (such as structural, functional, and spatial information, amino acid conservation, physicochemical variation, residue mobility, and thermodynamic stability) performed at Invitae indicates that this missense variant is not expected to disrupt JAK3 protein function. In summary, the available evidence is currently insufficient to determine the role of this variant in disease. Therefore, it has been classified as a Variant of Uncertain Significance.

Baylor Genetics
Classification: Uncertain significance for T-B+ severe combined immunodeficiency due to JAK3 deficiency. Last evaluated: 2018-04-13. Review status: criteria provided, single submitter. Criteria: ACMG Guidelines, 2015. Collection method: clinical testing. Allele origin: maternal. Affected: yes.
Comment: This variant was determined to be of uncertain significance according to ACMG Guidelines, 2015 [PMID:25741868].

NM_000215.4(JAK3):c.932C>T (p.Pro311Leu)

Gene: JAK3 (Janus kinase 3; minus strand). Cytogenetic location: 19p13.11.
Variant type: single nucleotide variant.
Coding change: c.932C>T on transcript NM_000215.4 (MANE Select); coding-DNA position 932, C replaced by T.
Protein change: p.Pro311Leu; replaces proline 311 with leucine.
Molecular consequence: missense variant.
Genome position (GRCh38, 1-based): chr19:17,841,692, G>A on the plus strand (C>T on the coding strand, the complement: JAK3 is on the minus strand). VCF-style: chr19-17841692-G-A. GRCh37 (hg19) VCF-style: chr19-17952501-G-A.
Other names: short protein forms P311L.
Identifiers: ClinVar variation 1032930 (VCV001032930.3), dbSNP rs781705937, ClinGen allele CA9302029.